The following is an entry in ClinVar:

NM_000153.4(GALC):c.1814dup (p.Tyr605Ter)

Gene: GALC (galactosylceramidase; minus strand). Cytogenetic location: 14q31.3.
Variant type: Duplication.
Coding change: c.1814dup on transcript NM_000153.4 (MANE Select); coding-DNA position 1814, one base duplicated (A; older notation c.1814dupA).
Protein change: p.Tyr605Ter; replaces tyrosine 605 with a stop codon.
Molecular consequence: nonsense.
Genome position (GRCh38, 1-based): chr14:87,941,415, T duplicated on the plus strand (A on the coding strand, the reverse complement: GALC is on the minus strand). VCF-style (leftmost placement, unchanged base first): chr14-87941414-G-GT. GRCh37 (hg19) VCF-style: chr14-88407758-G-GT.
Other names: c.1814dupA (NM_000153.3); c.1745dup, p.Tyr582Ter (NM_001201401.2); c.1736dup, p.Tyr579Ter (NM_001201402.2); short protein forms Y582*, Y605*, Y579*.
Identifiers: ClinVar variation 633226 (VCV000633226.15), dbSNP rs766007316, ClinGen allele CA7296919.

ClinVar aggregate classification (germline): Pathogenic/Likely pathogenic. Review status: criteria provided, multiple submitters, no conflicts (2 of 4 stars). 5 submissions from 5 submitters: Pathogenic (2); Likely pathogenic (1). 2 of the submissions do not count toward it. Last evaluated 2025-04-04.

Conditions:
Galactosylceramide beta-galactosidase deficiency. Also called: Leukodystrophy, Globoid Cell; GALACTOCEREBROSIDASE DEFICIENCY; GALC DEFICIENCY; GLOBOID CELL LEUKOENCEPHALOPATHY; Krabbe Disease. Identifiers: Orphanet 487, MedGen C0023521, MONDO:0009499, OMIM 245200.

Allele frequency attached by ClinVar (database versions not stated): ExAC 0.00001; gnomAD exomes 0.00001 and 0.00002; gnomAD 0.00002; TOPMed 0.00002.

Submissions (5):

Natera, Inc.
Classification: Pathogenic for Galactosylceramide beta-galactosidase deficiency. Last evaluated: 2025-04-04. Review status: criteria provided, single submitter. Criteria: Natera Variant Classification Schema (03/2026). Collection method: clinical testing. Allele origin: germline.
Comment: The c.1814dupA variant in GALC is a frameshift variant predicted to shift the reading frame and introduce a stop codon. This variant is expected to result in nonsense mediated decay, truncation, or a dysfunctional protein product. This variant is rare in the general population with a frequency below the threshold expected for the associated phenotype(s). This variant has been observed in one or more individuals affected with the associated recessive disease, as either homozygous or compound heterozygous with a second variant (PMID: 30777126). Given the available evidence, this variant is classified as Pathogenic.

Labcorp Genetics (formerly Invitae), Labcorp
Classification: Pathogenic for Galactosylceramide beta-galactosidase deficiency. Last evaluated: 2023-08-09. Review status: criteria provided, single submitter. Criteria: Invitae Variant Classification Sherloc (09022015). Collection method: clinical testing. Allele origin: germline.
Comment: For these reasons, this variant has been classified as Pathogenic. ClinVar contains an entry for this variant (Variation ID: 633226). This variant is also known as c.1766dupA. This premature translational stop signal has been observed in individual(s) with Krabbe disease (PMID: 30777126). This variant is present in population databases (rs766007316, gnomAD 0.007%). This sequence change creates a premature translational stop signal (p.Tyr605*) in the GALC gene. It is expected to result in an absent or disrupted protein product. Loss-of-function variants in GALC are known to be pathogenic (PMID: 7437911, 9272171, 16607461).

Women's Health and Genetics/Laboratory Corporation of America, LabCorp
Classification: Likely pathogenic for Galactosylceramide beta-galactosidase deficiency. Last evaluated: 2017-10-31. Review status: criteria provided, single submitter. Criteria: LabCorp Variant Classification Summary - May 2015. Collection method: clinical testing. Allele origin: germline.
Comment: Variant summary: The GALC c.1814dupA (p.Tyr605X) variant results in a premature termination codon, predicted to cause a truncated or absent GALC protein due to nonsense mediated decay, which are commonly known mechanisms for disease. This variant was found in 2/244526 control chromosomes (gnomAD) at a frequency of 0.0000082, which does not exceed the estimated maximal expected allele frequency of a pathogenic GALC variant (0.0022361). The variant of interest has not, to our knowledge, been reported in affected individuals via publications. A clinical diagnostic laboratory cites the variant with a classification of "pathogenic." Taken together, this variant is classified as likely pathogenic.

Clinical Genetics DNA and cytogenetics Diagnostics Lab, Erasmus MC, Erasmus Medical Center
Classification: Pathogenic. Review status: no assertion criteria provided. Collection method: clinical testing. Allele origin: germline. Affected: yes. Study: VKGL Data-share Consensus. Not counted in ClinVar's aggregate classification.

Joint Genome Diagnostic Labs from Nijmegen and Maastricht, Radboudumc and MUMC+
Classification: Pathogenic. Review status: no assertion criteria provided. Collection method: clinical testing. Allele origin: germline. Affected: yes. Study: VKGL Data-share Consensus. Not counted in ClinVar's aggregate classification.

Literature cited by the submitters: PubMed 30777126 (cited by Natera, Inc. and Labcorp Genetics (formerly Invitae), Labcorp); PubMed 7437911 (cited by Labcorp Genetics (formerly Invitae), Labcorp); PubMed 9272171 (cited by Labcorp Genetics (formerly Invitae), Labcorp); PubMed 16607461 (cited by Labcorp Genetics (formerly Invitae), Labcorp).